The following is an entry in ClinVar:

ClinVar aggregate classification (germline): Uncertain significance (1 of 4 stars; one submission).

Conditions:
D-2-hydroxyglutaric aciduria 2 (D2HGA2). Identifiers: Orphanet 79315, MedGen C3150909, MONDO:0013345, OMIM 613657.

Submission:

Labcorp Genetics (formerly Invitae), Labcorp
Classification: Uncertain significance for D-2-hydroxyglutaric aciduria 2. Last evaluated: 2022-11-29. Review status: criteria provided, single submitter. Criteria: Invitae Variant Classification Sherloc (09022015). Collection method: clinical testing. Allele origin: unknown.
Comment: In summary, the available evidence is currently insufficient to determine the role of this variant in disease. Therefore, it has been classified as a Variant of Uncertain Significance. This variant has not been reported in the literature in individuals affected with IDH2-related conditions. This variant results in a copy number gain of the genomic region encompassing exon(s) 1 of the IDH2 gene. This region includes the initiator codon of the gene. This copy number gain extends beyond the assayed region for this gene and therefore may encompass additional genes. As the precise location of this event is unknown, it may be in tandem or it may be located elsewhere in the genome.

NC_000015.9:g.(?_90645488)_(90645622_?)dup

Gene: IDH2 (isocitrate dehydrogenase (NADP(+)) 2; minus strand). Cytogenetic location: 15q26.1.
Variant type: Duplication.
Identifiers: ClinVar variation 3243820 (VCV003243820.1).